The following is an entry in ClinVar:

NM_000551.4(VHL):c.233A>C (p.Asn78Thr)

Gene: VHL (von Hippel-Lindau tumor suppressor; plus strand). Cytogenetic location: 3p25.3.
Variant type: single nucleotide variant.
Coding change: c.233A>C on transcript NM_000551.4 (MANE Select); coding-DNA position 233, A replaced by C.
Protein change: p.Asn78Thr; replaces asparagine 78 with threonine.
Molecular consequence: missense variant.
Genome position (GRCh38, 1-based): chr3:10,142,080, A>C. VCF-style: chr3-10142080-A-C. GRCh37 (hg19) VCF-style: chr3-10183764-A-C.
Other names: c.233A>C, p.Asn78Thr (NM_001354723.2, NM_198156.3); short protein forms N78T.
Identifiers: ClinVar variation 223168 (VCV000223168.10), dbSNP rs5030804, ClinGen allele CA357095.

ClinVar aggregate classification (germline): Pathogenic. Review status: criteria provided, multiple submitters, no conflicts (2 of 4 stars). 3 submissions from 3 submitters: Pathogenic (2). 1 of the submissions does not count toward it. Last evaluated 2022-02-05.

Conditions:
Von Hippel-Lindau syndrome (VHLS). Also called: Von Hippel-Lindau; von Hippel–Lindau syndrome; VHL syndrome. Identifiers: Orphanet 892, MedGen C0019562, MONDO:0008667, OMIM 193300. Disease mechanism: loss of function.
Chuvash polycythemia. Also called: POLYCYTHEMIA, VHL-DEPENDENT. Identifiers: Orphanet 238557, MedGen C1837915, MONDO:0009892, OMIM 263400.

Submissions (3):

Labcorp Genetics (formerly Invitae), Labcorp
Classification: Pathogenic for Von Hippel-Lindau syndrome; Chuvash polycythemia. Last evaluated: 2022-02-05. Review status: criteria provided, single submitter. Criteria: Invitae Variant Classification Sherloc (09022015). Collection method: clinical testing. Allele origin: germline.
Comment: For these reasons, this variant has been classified as Pathogenic. This variant disrupts the p.Asn78 amino acid residue in VHL. Other variant(s) that disrupt this residue have been determined to be pathogenic (PMID: 7728151, 8956040, 12114495, 15109448, 15300849, 19464396, 23842656). This suggests that this residue is clinically significant, and that variants that disrupt this residue are likely to be disease-causing. Advanced modeling of protein sequence and biophysical properties (such as structural, functional, and spatial information, amino acid conservation, physicochemical variation, residue mobility, and thermodynamic stability) performed at Invitae indicates that this missense variant is expected to disrupt VHL protein function. ClinVar contains an entry for this variant (Variation ID: 223168). This missense change has been observed in individuals with von Hippel-Lindau syndrome (PMID: 7728151, 8956040, 18446368; Invitae). This variant is not present in population databases (gnomAD no frequency). This sequence change replaces asparagine, which is neutral and polar, with threonine, which is neutral and polar, at codon 78 of the VHL protein (p.Asn78Thr).

PreventionGenetics, part of Exact Sciences
Classification: Pathogenic. Last evaluated: 2014-04-16. Review status: criteria provided, single submitter. Criteria: ACMG Guidelines, 2015. Collection method: clinical testing. Allele origin: germline.

Genomic Diagnostic Laboratory, Division of Genomic Diagnostics, Children's Hospital of Philadelphia
Classification: Likely pathogenic for Von Hippel-Lindau syndrome. Last evaluated: 2016-02-26. Review status: no assertion criteria provided. Collection method: clinical testing. Allele origin: germline. Affected: yes. Observed: 1 variant allele. Not counted in ClinVar's aggregate classification.

Literature cited by the submitters: PubMed 7728151 (cited by Labcorp Genetics (formerly Invitae), Labcorp); PubMed 8956040 (cited by Labcorp Genetics (formerly Invitae), Labcorp); PubMed 12114495 (cited by Labcorp Genetics (formerly Invitae), Labcorp); PubMed 15109448 (cited by Labcorp Genetics (formerly Invitae), Labcorp); PubMed 15300849 (cited by Labcorp Genetics (formerly Invitae), Labcorp); PubMed 19464396 (cited by Labcorp Genetics (formerly Invitae), Labcorp); PubMed 23842656 (cited by Labcorp Genetics (formerly Invitae), Labcorp); PubMed 18446368 (cited by Labcorp Genetics (formerly Invitae), Labcorp).